The following is an entry in ClinVar:

ClinVar aggregate classification (germline): Uncertain significance. Review status: criteria provided, multiple submitters, no conflicts (2 of 4 stars). 3 submissions from 3 submitters: Uncertain significance (3). Last evaluated 2025-06-23.

Conditions:
Cardiovascular phenotype. Identifiers: MedGen CN230736.
Cardiomyopathy (CMYO). Also called: Cardiomyopathies. Identifiers: Orphanet 167848, MedGen C0878544, MONDO:0004994, HP:0001638. Inheritance: Various modes of inheritance.
Catecholaminergic polymorphic ventricular tachycardia 1. Also called: RYR2-Related Catecholaminergic Polymorphic Ventricular Tachycardia; VENTRICULAR TACHYCARDIA, CATECHOLAMINERGIC POLYMORPHIC, 1, WITH OR WITHOUT ATRIAL DYSFUNCTION AND/OR DILATED CARDIOMYOPATHY; VENTRICULAR TACHYCARDIA, STRESS-INDUCED POLYMORPHIC 1. Identifiers: Orphanet 3286, MedGen C1631597, MONDO:0011484, OMIM 604772.

Submissions (3):

Color Diagnostics, LLC DBA Color Health
Classification: Uncertain significance for Cardiomyopathy. Last evaluated: 2025-06-23. Review status: criteria provided, single submitter. Criteria: ACMG Guidelines, 2015. Collection method: clinical testing. Allele origin: germline.
Comment: This missense variant replaces tyrosine with histidine at codon 976 of the RYR2 protein. Computational prediction suggests that this variant may have deleterious impact on protein structure and function. To our knowledge, functional studies have not been reported for this variant. This variant has not been reported in individuals affected with RYR2-related disorders in the literature. This variant has not been identified in the general population by the Genome Aggregation Database (gnomAD). The available evidence is insufficient to determine the role of this variant in disease conclusively. Therefore, this variant is classified as a Variant of Uncertain Significance.

Ambry Genetics
Classification: Uncertain significance for Cardiovascular phenotype. Last evaluated: 2024-11-08. Review status: criteria provided, single submitter. Criteria: Ambry Variant Classification Scheme 2023. Collection method: clinical testing. Allele origin: germline.
Comment: The p.Y976H variant (also known as c.2926T>C), located in coding exon 26 of the RYR2 gene, results from a T to C substitution at nucleotide position 2926. The tyrosine at codon 976 is replaced by histidine, an amino acid with similar properties. This amino acid position is highly conserved in available vertebrate species. In addition, this alteration is predicted to be deleterious by in silico analysis. Based on the available evidence, the clinical significance of this variant remains unclear.

Labcorp Genetics (formerly Invitae), Labcorp
Classification: Uncertain significance for Catecholaminergic polymorphic ventricular tachycardia 1. Last evaluated: 2024-06-18. Review status: criteria provided, single submitter. Criteria: Invitae Variant Classification Sherloc (09022015). Collection method: clinical testing. Allele origin: germline.
Comment: This sequence change replaces tyrosine, which is neutral and polar, with histidine, which is basic and polar, at codon 976 of the RYR2 protein (p.Tyr976His). This variant is not present in population databases (gnomAD no frequency). This variant has not been reported in the literature in individuals affected with RYR2-related conditions. Advanced modeling of protein sequence and biophysical properties (such as structural, functional, and spatial information, amino acid conservation, physicochemical variation, residue mobility, and thermodynamic stability) performed at Invitae indicates that this missense variant is expected to disrupt RYR2 protein function with a positive predictive value of 95%. In summary, the available evidence is currently insufficient to determine the role of this variant in disease. Therefore, it has been classified as a Variant of Uncertain Significance.

NM_001035.3(RYR2):c.2926T>C (p.Tyr976His)

Gene: RYR2 (ryanodine receptor 2; plus strand). Cytogenetic location: 1q43.
Variant type: single nucleotide variant.
Coding change: c.2926T>C on transcript NM_001035.3 (MANE Select); coding-DNA position 2926, T replaced by C.
Protein change: p.Tyr976His; replaces tyrosine 976 with histidine.
Molecular consequence: missense variant.
Genome position (GRCh38, 1-based): chr1:237,548,450, T>C. VCF-style: chr1-237548450-T-C. GRCh37 (hg19) VCF-style: chr1-237711750-T-C.
Other names: short protein forms Y976H.
Identifiers: ClinVar variation 3436599 (VCV003436599.4).
Genomic context (GRCh38, chr1:237,548,450, plus strand): 5'-AAGGCCAATTATACACAAATTTCTTTGTCTCTGATTTGTAGTTACCAGCTGACAAGTGGA[T>C]ACAAGCCTGCCCCTATGGACCTGAGCTTTATCAAACTCACCCCATCACAAGAAGCAATGG-3'
Protein context (NP_001026.2, residues 966-986): LPKNYQLTSG[Tyr976His]KPAPMDLSFI